The following is an entry in ClinVar:

ClinVar aggregate classification (germline): Likely benign. Review status: criteria provided, multiple submitters, no conflicts (2 of 4 stars). 6 submissions from 6 submitters: Likely benign (5). 1 of the submissions does not count toward it. Last evaluated 2026-01-24.

Conditions:
PLEKHG5-related disorder. Also called: PLEKHG5-related condition.
Neuronopathy, distal hereditary motor, autosomal recessive 4. Also called: NEUROPATHY, DISTAL HEREDITARY MOTOR, AUTOSOMAL RECESSIVE 4; Autosomal recessive lower motor neuron disease with childhood onset. Identifiers: Orphanet 206580, MedGen C1970211, MONDO:0012608, OMIM 611067.
Charcot-Marie-Tooth disease recessive intermediate C. Also called: CHARCOT-MARIE-TOOTH NEUROPATHY, RECESSIVE INTERMEDIATE C. Identifiers: Orphanet 369867, MedGen C3809309, MONDO:0014154, OMIM 615376.

Allele frequency attached by ClinVar (database versions not stated): ESP Exome Variant Server 0.00008; gnomAD exomes 0.00011 and 0.00043; gnomAD 0.00021 and 0.00027; TOPMed 0.00029; ExAC 0.00042; 1000 Genomes Project 0.00180; 1000 Genomes Project 30x 0.00187.

Submissions (6):

Labcorp Genetics (formerly Invitae), Labcorp
Classification: Likely benign for Neuronopathy, distal hereditary motor, autosomal recessive 4; Charcot-Marie-Tooth disease recessive intermediate C. Last evaluated: 2026-01-24. Review status: criteria provided, single submitter. Criteria: Invitae Variant Classification Sherloc (09022015). Collection method: clinical testing. Allele origin: germline.

Blueprint Genetics
Classification: Likely benign. Last evaluated: 2024-10-22. Review status: criteria provided, single submitter. Criteria: ACMG Guidelines, 2015. Collection method: clinical testing. Allele origin: germline.

GeneDx
Classification: Likely benign. Last evaluated: 2019-06-21. Review status: criteria provided, single submitter. Criteria: GeneDx Variant Classification Process June 2021. Collection method: clinical testing. Allele origin: germline. Affected: yes.

Illumina Laboratory Services, Illumina
Classification: Likely benign for Neuronopathy, distal hereditary motor, autosomal recessive 4. Last evaluated: 2018-01-13. Review status: criteria provided, single submitter. Criteria: ICSL Variant Classification Criteria 13 December 2019. Collection method: clinical testing. Allele origin: germline.
Comment: This variant was observed in the ICSL laboratory as part of a predisposition screen in an ostensibly healthy population. It had not been previously curated by ICSL or reported in the Human Gene Mutation Database (HGMD: prior to June 1st, 2018), and was therefore a candidate for classification through an automated scoring system. Utilizing variant allele frequency, disease prevalence and penetrance estimates, and inheritance mode, an automated score was calculated to assess if this variant is too frequent to cause the disease. Based on the score and internal cut-off values, a variant classified as likely benign is not then subjected to further curation. The score for this variant resulted in a classification of likely benign for this disease.

Eurofins Ntd Llc (ga)
Classification: Likely benign. Last evaluated: 2017-02-03. Review status: criteria provided, single submitter. Criteria: EGL Classification Definitions 2015. Collection method: clinical testing. Allele origin: germline. Observed: 1 variant allele, 1 heterozygote.

PreventionGenetics, part of Exact Sciences
Classification: Likely benign for PLEKHG5-related condition. Last evaluated: 2019-10-18. Review status: no assertion criteria provided. Collection method: clinical testing. Allele origin: germline. Not counted in ClinVar's aggregate classification.
Comment: This variant is classified as likely benign based on ACMG/AMP sequence variant interpretation guidelines (Richards et al. 2015 PMID: 25741868, with internal and published modifications).

NM_020631.6(PLEKHG5):c.482T>C (p.Met161Thr)

Gene: PLEKHG5 (pleckstrin homology and RhoGEF domain containing G5; minus strand). Cytogenetic location: 1p36.31.
Variant type: single nucleotide variant.
Coding change: c.482T>C on transcript NM_020631.6 (MANE Select); coding-DNA position 482, T replaced by C.
Protein change: p.Met161Thr; replaces methionine 161 with threonine.
Molecular consequence: missense variant.
Genome position (GRCh38, 1-based): chr1:6,474,122, A>G on the plus strand (T>C on the coding strand, the complement: PLEKHG5 is on the minus strand). VCF-style: chr1-6474122-A-G. GRCh37 (hg19) VCF-style: chr1-6534182-A-G.
Other names: c.593T>C, p.Met198Thr (NM_001042663.3, NM_001265592.2); c.482T>C, p.Met161Thr (NM_001042664.2, NM_001042665.2, NM_001265594.3 and 1 more transcripts); c.689T>C, p.Met230Thr (NM_001265593.2); short protein forms M161T, M230T, M198T.
Identifiers: ClinVar variation 246065 (VCV000246065.22), dbSNP rs140817021, ClinGen allele CA561834.